The following is an entry in ClinVar:

ClinVar aggregate classification (germline): Pathogenic/Likely pathogenic. Review status: criteria provided, multiple submitters, no conflicts (2 of 4 stars). 12 submissions from 12 submitters: Pathogenic (9); Likely pathogenic (3). Last evaluated 2025-12-16.

Conditions:
ACAT1-related disorder. Also called: ACAT1-related condition.
Deficiency of acetyl-CoA acetyltransferase. Also called: MITOCHONDRIAL ACETOACETYL-CoA THIOLASE DEFICIENCY; 3-KETOTHIOLASE DEFICIENCY; 3-OXOTHIOLASE DEFICIENCY; Beta-ketothiolase deficiency. Identifiers: Orphanet 134, MedGen C1536500, MONDO:0008760, OMIM 203750. Disease mechanism: loss of function.

Allele frequency attached by ClinVar (database versions not stated): gnomAD 0.00001; TOPMed 0.00002; ExAC 0.00006; ESP Exome Variant Server 0.00008.

Submissions (12):

PreventionGenetics, part of Exact Sciences
Classification: Likely pathogenic for ACAT1-related condition. Last evaluated: 2025-12-16. Review status: criteria provided, single submitter. Criteria: ACMG Guidelines, 2015. Collection method: clinical testing. Allele origin: germline.
Comment: The ACAT1 c.472A>G variant is predicted to result in the amino acid substitution p.Asn158Asp. This variant has been reported with a second pathogenic variant in four affected individuals (Fukao et al. 1995. PubMed ID: 7749408; Sakurai et al. 2007. PubMed ID: 17236799; Otsuka et al. 2016. PubMed ID: 27748876). In vitro functional studies found the p.Asn158Asp substitution resulted in a protein with no residual activity (Fukao et al. 1995. PubMed ID: 7749408; Sakurai et al. 2007. PubMed ID: 17236799). This variant is reported in 0.012% of alleles in individuals of European (Non-Finnish) descent in gnomAD. This variant is interpreted as likely pathogenic.

GeneDx
Classification: Pathogenic. Last evaluated: 2025-12-15. Review status: criteria provided, single submitter. Criteria: GeneDx Variant Classification Process June 2021. Collection method: clinical testing. Allele origin: germline. Affected: yes.
Comment: Published in vivo expression analysis showed no residual enzyme activity (PMID: 7749408); Not observed at significant frequency in large population cohorts (gnomAD); In silico analysis supports that this missense variant has a deleterious effect on protein structure/function; This variant is associated with the following publications: (PMID: 25087612, 7728148, 17236799, 7749408, 38853254, 39505524, 28726122, 34493867, 40981306, 27748876, 40960113, 23818432)

Natera, Inc.
Classification: Pathogenic for Alpha-methylacetoacetic aciduria. Last evaluated: 2025-09-10. Review status: criteria provided, single submitter. Criteria: Natera Variant Classification Schema (03/2026). Collection method: clinical testing. Allele origin: germline.
Comment: The c.472A>G variant in ACAT1 is a missense variant predicted to cause substitution of asparagine to aspartic acid at amino acid 158. This variant is rare in the general population with a frequency below the threshold expected for the associated phenotype(s). This variant has been observed in one or more individuals affected with the associated recessive disease, as either homozygous or compound heterozygous with a second variant (PMID: 7728148, 27748876). A different variant at the same position has been determined to be Pathogenic or Likely Pathogenic. Computational prediction algorithms indicate this variant is likely to affect gene or protein function. Given the available evidence, this variant is classified as Pathogenic.

Blueprint Genetics
Classification: Pathogenic for ACAT1-related disorders. Last evaluated: 2024-06-07. Review status: criteria provided, single submitter. Criteria: ACMG Guidelines, 2015. Collection method: clinical testing. Allele origin: germline. Affected: yes. Observed: 5 variant alleles.

Labcorp Genetics (formerly Invitae), Labcorp
Classification: Pathogenic for Deficiency of acetyl-CoA acetyltransferase. Last evaluated: 2024-05-24. Review status: criteria provided, single submitter. Criteria: Invitae Variant Classification Sherloc (09022015). Collection method: clinical testing. Allele origin: germline.
Comment: This sequence change replaces asparagine, which is neutral and polar, with aspartic acid, which is acidic and polar, at codon 158 of the ACAT1 protein (p.Asn158Asp). This variant is present in population databases (rs148639841, gnomAD 0.01%). This missense change has been observed in individual(s) with beta-ketothiolase deficiency (PMID: 7749408, 17236799, 27748876). ClinVar contains an entry for this variant (Variation ID: 92297). Advanced modeling of protein sequence and biophysical properties (such as structural, functional, and spatial information, amino acid conservation, physicochemical variation, residue mobility, and thermodynamic stability) has been performed at Invitae for this missense variant, however the output from this modeling did not meet the statistical confidence thresholds required to predict the impact of this variant on ACAT1 protein function. Experimental studies have shown that this missense change affects ACAT1 function (PMID: 17236799). This variant disrupts the p.Asn158 amino acid residue in ACAT1. Other variant(s) that disrupt this residue have been determined to be pathogenic (PMID: 17236799, 21669895). This suggests that this residue is clinically significant, and that variants that disrupt this residue are likely to be disease-causing. For these reasons, this variant has been classified as Pathogenic.

Fulgent Genetics
Classification: Pathogenic for Deficiency of acetyl-CoA acetyltransferase. Last evaluated: 2024-04-29. Review status: criteria provided, single submitter. Criteria: ACMG Guidelines, 2015. Collection method: clinical testing. Allele origin: germline.

Baylor Genetics
Classification: Pathogenic for Deficiency of acetyl-CoA acetyltransferase. Last evaluated: 2024-03-08. Review status: criteria provided, single submitter. Criteria: ACMG Guidelines, 2015. Collection method: clinical testing. Allele origin: unknown.

Department of Human Genetics, Hannover Medical School
Classification: Pathogenic for Deficiency of acetyl-CoA acetyltransferase. Last evaluated: 2022-02-18. Review status: criteria provided, single submitter. Criteria: ACMG Guidelines, 2015. Collection method: clinical testing. Allele origin: germline. Inheritance: Autosomal recessive inheritance. Affected: yes.

Women's Health and Genetics/Laboratory Corporation of America, LabCorp
Classification: Pathogenic for Deficiency of acetyl-CoA acetyltransferase. Last evaluated: 2021-10-25. Review status: criteria provided, single submitter. Criteria: LabCorp Variant Classification Summary - May 2015. Collection method: clinical testing. Allele origin: germline.
Comment: Variant summary: ACAT1 c.472A>G (p.Asn158Asp) results in a conservative amino acid change located in the Thiolase, N-terminal domain (IPR020616) and at the dimer interface (Abdelkreem_2019) of the encoded protein sequence. Four of five in-silico tools predict a damaging effect of the variant on protein function. The variant allele was found at a frequency of 6e-05 in 251414 control chromosomes (gnomAD). This frequency is not significantly higher than expected for a pathogenic variant in ACAT1 causing Mitochondrial Acetoacetyl-CoA Thiolase Deficiency (6e-05 vs 0.0029), allowing no conclusion about variant significance. c.472A>G has been reported in the literature in individuals affected with Mitochondrial Acetoacetyl-CoA Thiolase Deficiency (Fukao_1995, Sakurai_2007, Otsuka_2016, Wojcik_2017). These data indicate that the variant is likely to be associated with disease. Functional studies report experimental evidence evaluating an impact on protein function and this variant results in reduced activity (Fukao_1995, Wakazono_1995, Sakurai_2007). Five ClinVar submitters (evaluation after 2014) cite the variant as pathogenic (n=3) and likely pathogenic (n=2). Based on the evidence outlined above, the variant was classified as pathogenic.

Department of Pediatrics, Gifu University
Classification: Likely pathogenic for Deficiency of acetyl-CoA acetyltransferase. Last evaluated: 2019-05-05. Review status: criteria provided, single submitter. Criteria: ACMG Guidelines, 2015. Collection method: research. Allele origin: germline. Affected: yes. Observed: 4 variant alleles. Clinical features observed: Ketoacidosis.

SIB Swiss Institute of Bioinformatics
Classification: Likely pathogenic for Deficiency of acetyl-CoA acetyltransferase. Last evaluated: 2018-10-15. Review status: criteria provided, single submitter. Criteria: ACMG Guidelines, 2015. Collection method: curation. Allele origin: germline.
Comment: This variant is interpreted as Likely Pathogenic, for 3-ketothiolase deficiency, autosomal recessive. The following ACMG Tag(s) were applied: PM2 => Absent from controls (or at extremely low frequency if recessive) in Exome Sequencing Project, 1000 Genomes Project, or Exome Aggregation Consortium. PP3 => Multiple lines of computational evidence support a deleterious effect on the gene or gene product. PS3 => Well-established functional studies show a deleterious effect (PubMed 7728148).

Eurofins Ntd Llc (ga)
Classification: Pathogenic. Last evaluated: 2013-08-09. Review status: criteria provided, single submitter. Criteria: EGL Classification Definitions. Collection method: clinical testing. Allele origin: germline. Observed: 2 variant alleles, 2 heterozygotes.

Literature cited by the submitters: PubMed 7728148 (cited by 3 submitters); PubMed 27748876 (cited by 3 submitters); PubMed 7749408 (cited by Labcorp Genetics (formerly Invitae), Labcorp and Women's Health and Genetics/Laboratory Corporation of America, LabCorp); PubMed 17236799 (cited by 3 submitters); PubMed 21669895 (cited by Labcorp Genetics (formerly Invitae), Labcorp); PubMed 31268215 (cited by Women's Health and Genetics/Laboratory Corporation of America, LabCorp and Department of Pediatrics, Gifu University); PubMed 28726122 (cited by Women's Health and Genetics/Laboratory Corporation of America, LabCorp).

NM_000019.4(ACAT1):c.472A>G (p.Asn158Asp)

Gene: ACAT1 (acetyl-CoA acetyltransferase 1; plus strand). Cytogenetic location: 11q22.3.
Variant type: single nucleotide variant.
Coding change: c.472A>G on transcript NM_000019.4 (MANE Select); coding-DNA position 472, A replaced by G.
Protein change: p.Asn158Asp; replaces asparagine 158 with aspartic acid.
Molecular consequence: missense variant.
Genome position (GRCh38, 1-based): chr11:108,138,934, A>G. VCF-style: chr11-108138934-A-G. GRCh37 (hg19) VCF-style: chr11-108009661-A-G.
Other names: c.472A>G, p.Asn158Asp (LRG_1400t1); short protein forms N158D.
Identifiers: ClinVar variation 92297 (VCV000092297.29), dbSNP rs148639841, ClinGen allele CA220226.